The following is an entry in ClinVar:

ClinVar aggregate classification (germline): Uncertain significance (1 of 4 stars; one submission).

Conditions:
Hereditary nonpolyposis colorectal neoplasms. Identifiers: MedGen C0009405, MeSH D003123.

Submission:

Labcorp Genetics (formerly Invitae), Labcorp
Classification: Uncertain significance for Hereditary nonpolyposis colorectal neoplasms. Last evaluated: 2023-07-28. Review status: criteria provided, single submitter. Criteria: Invitae Variant Classification Sherloc (09022015). Collection method: clinical testing. Allele origin: germline.
Comment: In summary, the available evidence is currently insufficient to determine the role of this variant in disease. Therefore, it has been classified as a Variant of Uncertain Significance. Advanced modeling of protein sequence and biophysical properties (such as structural, functional, and spatial information, amino acid conservation, physicochemical variation, residue mobility, and thermodynamic stability) performed at Invitae indicates that this missense variant is not expected to disrupt MSH6 protein function. This variant is not present in population databases (gnomAD no frequency). This variant has not been reported in the literature in individuals affected with MSH6-related conditions. This sequence change replaces cysteine, which is neutral and slightly polar, with tryptophan, which is neutral and slightly polar, at codon 1337 of the MSH6 protein (p.Cys1337Trp).

NM_000179.3(MSH6):c.4011C>G (p.Cys1337Trp)

Gene: MSH6 (mutS homolog 6; plus strand). Cytogenetic location: 2p16.3.
Variant type: single nucleotide variant.
Coding change: c.4011C>G on transcript NM_000179.3 (MANE Select); coding-DNA position 4011, C replaced by G.
Protein change: p.Cys1337Trp; replaces cysteine 1337 with tryptophan.
Molecular consequence: missense variant. On other transcripts: 3 prime UTR variant (1), non-coding transcript variant (5).
Genome position (GRCh38, 1-based): chr2:47,806,788, C>G. VCF-style: chr2-47806788-C-G. GRCh37 (hg19) VCF-style: chr2-48033927-C-G.
Other names: c.3486C>G, p.Cys1162Trp (NM_001406807.1, NM_001406799.1, NM_001406806.1); c.4006C>G, p.Pro1336Ala (NM_001406808.1); c.4011C>G, p.Cys1337Trp (NM_001406809.1, NM_001406796.1); c.3105C>G, p.Cys1035Trp (NM_001406811.1, NM_001406812.1, NM_001406814.1 and 6 more transcripts); c.4017C>G, p.Cys1339Trp (NM_001406813.1); c.2445C>G, p.Cys815Trp (NM_001406817.1); c.3837C>G, p.Cys1279Trp (NM_001406798.1); c.*32C>G (NM_001406800.1); and 11 more; short protein forms C1369W, C1049W, C1207W, C1238W, C1279W, C1337W, C1339W, C815W.
Identifiers: ClinVar variation 2747524 (VCV002747524.3), dbSNP rs139825189, ClinGen allele CA346761639.